The following is an entry in ClinVar:

ClinVar aggregate classification (germline): Uncertain significance (0 of 4 stars; one submission).

Conditions:
HNRNPH2-related disorder. Also called: HNRNPH2-related condition.

gnomAD v4.1: 1 of 1,211,732 alleles (0.000083%); highest among the groups gnomAD compares: Non-Finnish European, 0.00011%; no homozygotes.

Submission:

PreventionGenetics, part of Exact Sciences
Classification: Uncertain significance for HNRNPH2-related condition. Last evaluated: 2024-04-18. Review status: no assertion criteria provided. Collection method: clinical testing. Allele origin: germline.
Comment: The HNRNPH2 c.521A>C variant is predicted to result in the amino acid substitution p.Glu174Ala. To our knowledge, this variant has not been reported in the literature or in a large population database, indicating this variant is rare. At this time, the clinical significance of this variant is uncertain due to the absence of conclusive functional and genetic evidence.

NM_019597.5(HNRNPH2):c.521A>C (p.Glu174Ala)

Genes: HNRNPH2 (heterogeneous nuclear ribonucleoprotein H2; plus strand), RPL36A-HNRNPH2 (RPL36A-HNRNPH2 readthrough; plus strand). Cytogenetic location: Xq22.1.
Variant type: single nucleotide variant.
Coding change: c.521A>C on transcript NM_019597.5 (MANE Select); coding-DNA position 521, A replaced by C.
Protein change: p.Glu174Ala; replaces glutamic acid 174 with alanine.
Molecular consequence: missense variant. On other transcripts: 3 prime UTR variant (2).
Genome position (GRCh38, 1-based): chrX:101,412,509, A>C. VCF-style: chrX-101412509-A-C. GRCh37 (hg19) VCF-style: chrX-100667497-A-C.
Other names: c.*517A>C (NM_001199973.2, NM_001199974.2); c.521A>C, p.Glu174Ala (NM_001032393.3); short protein forms E174A.
Identifiers: ClinVar variation 3345717 (VCV003345717.1).